The following is an entry in ClinVar:

ClinVar aggregate classification (germline): Uncertain significance (1 of 4 stars; one submission).

Conditions:
Baller-Gerold syndrome (BGS). Also called: CRANIOSYNOSTOSIS WITH RADIAL DEFECTS. Identifiers: Orphanet 1225, MedGen C0265308, MONDO:0009039, OMIM 218600.

gnomAD v4.1: 2 of 1,612,456 alleles (0.00012%); highest among the groups gnomAD compares: East Asian, 0.0022%; no homozygotes.

Submission:

Labcorp Genetics (formerly Invitae), Labcorp
Classification: Uncertain significance for Baller-Gerold syndrome. Last evaluated: 2022-09-02. Review status: criteria provided, single submitter. Criteria: Invitae Variant Classification Sherloc (09022015). Collection method: clinical testing. Allele origin: germline.
Comment: This variant has not been reported in the literature in individuals affected with RECQL4-related conditions. Experimental studies and prediction algorithms are not available or were not evaluated, and the functional significance of this variant is currently unknown. In summary, the available evidence is currently insufficient to determine the role of this variant in disease. Therefore, it has been classified as a Variant of Uncertain Significance. This variant is present in population databases (rs370069034, gnomAD 0.006%). This sequence change replaces arginine, which is basic and polar, with proline, which is neutral and non-polar, at codon 1181 of the RECQL4 protein (p.Arg1181Pro).

NM_004260.4(RECQL4):c.3542G>C (p.Arg1181Pro)

Gene: RECQL4 (RecQ like helicase 4; minus strand). Cytogenetic location: 8q24.3.
Variant type: single nucleotide variant.
Coding change: c.3542G>C on transcript NM_004260.4 (MANE Select); coding-DNA position 3542, G replaced by C.
Protein change: p.Arg1181Pro; replaces arginine 1181 with proline.
Molecular consequence: missense variant.
Genome position (GRCh38, 1-based): chr8:144,511,516, C>G on the plus strand (G>C on the coding strand, the complement: RECQL4 is on the minus strand). VCF-style: chr8-144511516-C-G. GRCh37 (hg19) VCF-style: chr8-145736899-C-G.
Other names: c.3248G>C, p.Arg1083Pro (NM_001413017.1); c.3344G>C, p.Arg1115Pro (NM_001413018.1); c.3617G>C, p.Arg1206Pro (NM_001413019.1); c.3446G>C, p.Arg1149Pro (NM_001413020.1); c.2471G>C, p.Arg824Pro (NM_001413021.1, NM_001413022.1, NM_001413024.1 and 4 more transcripts); c.2546G>C, p.Arg849Pro (NM_001413023.1); c.3413G>C, p.Arg1138Pro (NM_001413025.1); c.2405G>C, p.Arg802Pro (NM_001413027.1, NM_001413030.1, NM_001413032.1); and 9 more; short protein forms R1064P, R1083P, R1115P, R1137P, R1138P, R1149P, R1171P, R1181P.
Identifiers: ClinVar variation 1718635 (VCV001718635.5), dbSNP rs370069034, ClinGen allele CA4947654.